The following is an entry in ClinVar:

ClinVar aggregate classification (germline): Uncertain significance (1 of 4 stars; one submission).

Submission:

Labcorp Genetics (formerly Invitae), Labcorp
Classification: Uncertain significance. Last evaluated: 2021-07-15. Review status: criteria provided, single submitter. Criteria: Invitae Variant Classification Sherloc (09022015). Collection method: clinical testing. Allele origin: germline.
Comment: In summary, the available evidence is currently insufficient to determine the role of this variant in disease. Therefore, it has been classified as a Variant of Uncertain Significance. Algorithms developed to predict the effect of missense changes on protein structure and function are either unavailable or do not agree on the potential impact of this missense change (SIFT: "Not Available"; PolyPhen-2: "Possibly Damaging"; Align-GVGD: "Not Available"). This variant has not been reported in the literature in individuals affected with ADAMTS18-related conditions. This variant is not present in population databases (ExAC no frequency). This sequence change replaces tyrosine with aspartic acid at codon 623 of the ADAMTS18 protein (p.Tyr623Asp). The tyrosine residue is moderately conserved and there is a large physicochemical difference between tyrosine and aspartic acid.

NM_199355.4(ADAMTS18):c.1867T>G (p.Tyr623Asp)

Gene: ADAMTS18 (ADAM metallopeptidase with thrombospondin type 1 motif 18; minus strand). Cytogenetic location: 16q23.1.
Variant type: single nucleotide variant.
Coding change: c.1867T>G on transcript NM_199355.4 (MANE Select); coding-DNA position 1867, T replaced by G.
Protein change: p.Tyr623Asp; replaces tyrosine 623 with aspartic acid.
Molecular consequence: missense variant.
Genome position (GRCh38, 1-based): chr16:77,326,031, A>C on the plus strand (T>G on the coding strand, the complement: ADAMTS18 is on the minus strand). VCF-style: chr16-77326031-A-C. GRCh37 (hg19) VCF-style: chr16-77359928-A-C.
Other names: c.1351T>G, p.Tyr451Asp (NM_001326358.2); short protein forms Y623D, Y451D.
Identifiers: ClinVar variation 1519433 (VCV001519433.8), dbSNP rs2144651162, ClinGen allele CA396829814.